The following is an entry in ClinVar:

NM_006218.4(PIK3CA):c.1797G>A (p.Met599Ile)

Gene: PIK3CA (phosphatidylinositol-4,5-bisphosphate 3-kinase catalytic subunit alpha; plus strand). Cytogenetic location: 3q26.32.
Variant type: single nucleotide variant.
Coding change: c.1797G>A on transcript NM_006218.4 (MANE Select); coding-DNA position 1797, G replaced by A.
Protein change: p.Met599Ile; replaces methionine 599 with isoleucine.
Molecular consequence: missense variant.
Genome position (GRCh38, 1-based): chr3:179,219,621, G>A. VCF-style: chr3-179219621-G-A. GRCh37 (hg19) VCF-style: chr3-178937409-G-A.
Other names: short protein forms M599I.
Identifiers: ClinVar variation 4627641 (VCV004627641.2).

ClinVar aggregate classification (germline): Uncertain significance. Review status: criteria provided, multiple submitters, no conflicts (2 of 4 stars). 2 submissions from 2 submitters: Uncertain significance (2). Last evaluated 2025-10-17.

Conditions:
PIK3CA related overgrowth syndrome. Also called: PIK3CA related overgrowth spectrum; PIK3CA-Related Segmental Overgrowth. Identifiers: Orphanet 530313, MedGen C4728213, MONDO:1040002.
Inborn genetic diseases. Identifiers: MedGen C0950123, MeSH D030342.

gnomAD v4.1: 2 of 1,595,096 alleles (0.00013%); highest among the groups gnomAD compares: South Asian, 0.0011%; no homozygotes.

Submissions (2):

Ambry Genetics
Classification: Uncertain significance for Inborn genetic diseases. Last evaluated: 2025-10-17. Review status: criteria provided, single submitter. Criteria: Ambry Variant Classification Scheme 2023. Collection method: clinical testing. Allele origin: germline.

Clinical Genomics Laboratory, Washington University in St. Louis
Classification: Uncertain significance for PIK3CA related overgrowth syndrome. Last evaluated: 2025-10-08. Review status: criteria provided, single submitter. Criteria: ACMG Guidelines, 2015. Collection method: clinical testing. Allele origin: germline.
Comment: A PIK3CA c.1797G>A (p.Met599Ile) variant was identified at a near heterozygous allelic fraction of 48.5%, a frequency which may be consistent with it being of germline origin. The PIK3CA c.1797G>A (p.Met599Ile) variant, to our knowledge, has not been reported in the medical literature. This variant is only observed on 2/1,595,096 alleles in the general population (gnomAD v4.1.0), indicating it is not a common variant. The PIK3CA gene is defined by the ClinGen Brain malformations expert panel as a gene that has a low rate of benign missense variation and where pathogenic missense variants are a common mechanism of disease. Due to limited information, and based on ACMG/AMP guidelines for variant interpretation (Richards S et al., PMID: 25741868), the clinical significance of this variant is uncertain at this time.